The following is an entry in ClinVar:

NM_000553.6(WRN):c.2313T>G (p.Cys771Trp)

Gene: WRN (WRN RecQ like helicase; plus strand). Cytogenetic location: 8p12.
Variant type: single nucleotide variant.
Coding change: c.2313T>G on transcript NM_000553.6 (MANE Select); coding-DNA position 2313, T replaced by G.
Protein change: p.Cys771Trp; replaces cysteine 771 with tryptophan.
Molecular consequence: missense variant.
Genome position (GRCh38, 1-based): chr8:31,116,393, T>G. VCF-style: chr8-31116393-T-G. GRCh37 (hg19) VCF-style: chr8-30973909-T-G.
Other names: short protein forms C771W.
Identifiers: ClinVar variation 3011881 (VCV003011881.3), dbSNP rs1801519673, ClinGen allele CA370913480.

ClinVar aggregate classification (germline): Uncertain significance (1 of 4 stars; one submission).

Conditions:
Werner syndrome (WRN). Identifiers: Orphanet 902, MedGen C0043119, MONDO:0010196, OMIM 277700.

Allele frequency attached by ClinVar (database versions not stated): gnomAD exomes below 0.00001; gnomAD 0.00001.
gnomAD v4.1: 2 of 1,613,898 alleles (0.00012%); highest among the groups gnomAD compares: African/African-American, 0.0027%; no homozygotes.

Submission:

Labcorp Genetics (formerly Invitae), Labcorp
Classification: Uncertain significance for Werner syndrome. Last evaluated: 2023-01-28. Review status: criteria provided, single submitter. Criteria: Invitae Variant Classification Sherloc (09022015). Collection method: clinical testing. Allele origin: germline.
Comment: This sequence change replaces cysteine, which is neutral and slightly polar, with tryptophan, which is neutral and slightly polar, at codon 771 of the WRN protein (p.Cys771Trp). In summary, the available evidence is currently insufficient to determine the role of this variant in disease. Therefore, it has been classified as a Variant of Uncertain Significance. An algorithm developed to predict the effect of missense changes on protein structure and function (PolyPhen-2) suggests that this variant is likely to be disruptive. This variant has not been reported in the literature in individuals affected with WRN-related conditions. This variant is not present in population databases (gnomAD no frequency).